The following is an entry in ClinVar:

NM_020778.5(ALPK3):c.3472G>A (p.Glu1158Lys)

Gene: ALPK3 (alpha kinase 3; plus strand). Cytogenetic location: 15q25.3.
Variant type: single nucleotide variant.
Coding change: c.3472G>A on transcript NM_020778.5 (MANE Select); coding-DNA position 3472, G replaced by A.
Protein change: p.Glu1158Lys; replaces glutamic acid 1158 with lysine.
Molecular consequence: missense variant.
Genome position (GRCh38, 1-based): chr15:84,858,210, G>A. VCF-style: chr15-84858210-G-A. GRCh37 (hg19) VCF-style: chr15-85401441-G-A.
Other names: short protein forms E1158K.
Identifiers: ClinVar variation 2439003 (VCV002439003.5), dbSNP rs759955973, ClinGen allele CA7709642.
Genomic context (GRCh38, chr15:84,858,210, plus strand): 5'-TCCCAAGAGGAGAAGTTCCCAGGGGAGGCTCTGACAGGTCTCCCGGCAGCTACACCTGAG[G>A]AACTGGCTCTAGGGGCCCGGAGGAAGAGATTTCTCCCTAAGGTCAGAGCAGCAGGAGACG-3'
Protein context (NP_065829.4, residues 1148-1168): LTGLPAATPE[Glu1158Lys]LALGARRKRF

ClinVar aggregate classification (germline): Uncertain significance. Review status: criteria provided, multiple submitters, no conflicts (2 of 4 stars). 2 submissions from 2 submitters: Uncertain significance (2). Last evaluated 2023-04-01.

Conditions:
Cardiovascular phenotype. Identifiers: MedGen CN230736.
Cardiomyopathy, familial hypertrophic 27. Identifiers: MedGen C4748014, MONDO:0054838, OMIM 618052.

Allele frequency attached by ClinVar (database versions not stated): gnomAD exomes below 0.00001; TOPMed below 0.00001; gnomAD 0.00001; ExAC 0.00002.
gnomAD v4.1: 8 of 1,612,520 alleles (0.0005%); highest among the groups gnomAD compares: South Asian, 0.0066%; no homozygotes.

Submissions (2):

Ambry Genetics
Classification: Uncertain significance for Cardiovascular phenotype. Last evaluated: 2023-04-01. Review status: criteria provided, single submitter. Criteria: Ambry Variant Classification Scheme 2023. Collection method: clinical testing. Allele origin: germline.
Comment: The p.E1360K variant (also known as c.4078G>A), located in coding exon 6 of the ALPK3 gene, results from a G to A substitution at nucleotide position 4078. The glutamic acid at codon 1360 is replaced by lysine, an amino acid with similar properties. This amino acid position is conserved. In addition, the in silico prediction for this alteration is inconclusive. Since supporting evidence is limited at this time, the clinical significance of this alteration remains unclear.

Revvity Omics, Revvity
Classification: Uncertain significance for Cardiomyopathy, familial hypertrophic 27. Last evaluated: 2020-02-26. Review status: criteria provided, single submitter. Criteria: ACMG Guidelines, 2015. Collection method: clinical testing. Allele origin: germline.